The following is an entry in ClinVar:

ClinVar aggregate classification (germline): Benign. Review status: criteria provided, multiple submitters, no conflicts (2 of 4 stars). 2 submissions from 2 submitters: Benign (2). Last evaluated 2018-06-15.

Allele frequency attached by ClinVar (database versions not stated): 1000 Genomes Project 0.22045; 1000 Genomes Project 30x 0.22595; gnomAD exomes 0.25271; TOPMed 0.25467; gnomAD 0.26155 and 0.26445.
gnomAD v4.1: 268,024 of 1,056,762 alleles (25%); highest among the groups gnomAD compares: African/African-American, 32%; 35,943 homozygotes.

Submissions (2):

GeneDx
Classification: Benign. Last evaluated: 2018-06-15. Review status: criteria provided, single submitter. Criteria: GeneDx Variant Classification (06012015). Collection method: clinical testing. Allele origin: germline. Affected: yes.
Comment: This variant is considered likely benign or benign based on one or more of the following criteria: it is a conservative change, it occurs at a poorly conserved position in the protein, it is predicted to be benign by multiple in silico algorithms, and/or has population frequency not consistent with disease.

Breakthrough Genomics
Classification: Benign. Review status: criteria provided, single submitter. Criteria: ACMG Guidelines, 2015. Collection method: not provided. Allele origin: germline. Inheritance: Autosomal dominant inheritance. Affected: yes.

NM_001386795.1(DTNA):c.1175+118T>C

Gene: DTNA (dystrobrevin alpha; plus strand). Cytogenetic location: 18q12.1.
Variant type: single nucleotide variant.
Coding change: c.1175+118T>C on transcript NM_001386795.1 (MANE Select); 118 bases into the intron after coding-DNA position 1175, T replaced by C.
Molecular consequence: intron variant.
Genome position (GRCh38, 1-based): chr18:34,829,607, T>C. VCF-style: chr18-34829607-T-C. GRCh37 (hg19) VCF-style: chr18-32409571-T-C.
Other names: c.1094+1931T>C (NM_032975.4, NM_001386761.1, NM_001386762.1 and 3 more transcripts); c.1175+118T>C (NM_001386754.1, NM_001386755.1, NM_001386760.1 and 6 more transcripts); c.1085+1931T>C (NM_001386763.1, NM_001386764.1, NM_001386768.1 and 14 more transcripts); c.603+17494T>C (NM_001198945.2); c.335+1931T>C (NM_001198943.1); c.221+118T>C (NM_001198942.1, NM_001198944.1); c.131+1931T>C (NM_032980.4, NM_032981.5).
Identifiers: ClinVar variation 672653 (VCV000672653.2), dbSNP rs1790534, ClinGen allele CA14559793.
Genomic context (GRCh38, chr18:34,829,607, plus strand): 5'-AAGTCATTCTACTCTGGCACTAAAATCCTCTCATAGTACGTCTTATTGGAGATAGAGGTC[T>C]TCTGGGGTTTAATGAAATTGTGTTGAGACTTTTCAACTTGAGCTGGACTTTGCAGCTCTT-3'